The following is an entry in ClinVar:

ClinVar aggregate classification (germline): Benign (1 of 4 stars; one submission).

Conditions:
Familial adenomatous polyposis 1 (FAP1). Also called: POLYPOSIS, ADENOMATOUS INTESTINAL; FAMILIAL ADENOMATOUS POLYPOSIS 1, ATTENUATED. Identifiers: MedGen C2713442, MONDO:0021056, OMIM 175100. Disease mechanism: loss of function.

Submission:

Myriad Genetics, Inc.
Classification: Benign for Familial adenomatous polyposis 1. Last evaluated: 2024-03-18. Review status: criteria provided, single submitter. Criteria: Myriad Autosomal Dominant, Autosomal Recessive and X-Linked Classification Criteria (2023). Collection method: clinical testing. Allele origin: unknown.
Comment: This variant is considered benign. This variant is a silent/synonymous amino acid change and it is not expected to impact splicing.

NM_000038.6(APC):c.3405T>C (p.Tyr1135=)

Gene: APC (APC regulator of Wnt signaling pathway; plus strand). Cytogenetic location: 5q22.2.
Variant type: single nucleotide variant.
Coding change: c.3405T>C on transcript NM_000038.6 (MANE Select); coding-DNA position 3405, T replaced by C.
Protein change: p.Tyr1135=; no amino-acid change (tyrosine 1135 retained).
Molecular consequence: synonymous variant. On other transcripts: non-coding transcript variant (2).
Genome position (GRCh38, 1-based): chr5:112,838,999, T>C. VCF-style: chr5-112838999-T-C. GRCh37 (hg19) VCF-style: chr5-112174696-T-C.
Other names: c.3156T>C, p.Tyr1052= (NM_001407457.1, NM_001407454.1, NM_001407455.1 and 1 more transcripts); c.3102T>C, p.Tyr1034= (NM_001407458.1, NM_001407459.1, NM_001407460.1 and 1 more transcripts); c.3018T>C, p.Tyr1006= (NM_001407469.1, NM_001407467.1); c.2556T>C, p.Tyr852= (NM_001407470.1, NM_001354906.2); c.2253T>C, p.Tyr751= (NM_001407471.1, NM_001407472.1); c.3405T>C, p.Tyr1135= (NM_001127510.3, NM_001354895.2, NM_001407450.1); c.3351T>C, p.Tyr1117= (NM_001127511.3); c.3459T>C, p.Tyr1153= (NM_001354896.2, NM_001407447.1, NM_001407448.1 and 1 more transcripts); and 11 more.
Identifiers: ClinVar variation 3148761 (VCV003148761.1), dbSNP rs2533495422, ClinGen allele CA445963799.